The following is an entry in ClinVar:

NM_017636.4(TRPM4):c.912_913del (p.Gly306fs)

Gene: TRPM4 (transient receptor potential cation channel subfamily M member 4; plus strand). Cytogenetic location: 19q13.33.
Variant type: Deletion.
Coding change: c.912_913del on transcript NM_017636.4 (MANE Select); coding-DNA positions 912 to 913, 2 bases deleted (AG; older notation c.912_913delAG).
Protein change: p.Gly306fs; shifts the reading frame from glycine 306.
Molecular consequence: frameshift variant. On other transcripts: 5 prime UTR variant (1).
Genome position (GRCh38, 1-based): chr19:49,171,631-49,171,632, AG deleted. VCF-style (leftmost placement, unchanged base first): chr19-49171630-CAG-C. GRCh37 (hg19) VCF-style: chr19-49674887-CAG-C.
Other names: c.912_913del, p.Gly306fs (NM_001195227.2); c.567_568del, p.Gly191fs (NM_001321281.2); c.-642_-641del (NM_001321282.2); c.390_391del, p.Gly132fs (NM_001321283.2); c.63_64del, p.Gly23fs (NM_001321285.2); short protein forms G132fs, G191fs, G23fs, G306fs.
Identifiers: ClinVar variation 942166 (VCV000942166.7), dbSNP rs773630362, ClinGen allele CA9569014.
Genomic context (GRCh38, chr19:49,171,630, plus strand): 5'-TCCTGTAGCGAATAGAGAACGCCACCCAGGCTCAGCTCCCATGTCTCCTCGTGGCTGGCT[CAG>C]GGGGAGCTGCGGACTGCCTGGCGGAGACCCTGGAAGACACTCTGGCCCCAGGGAGTGGGG-3'

ClinVar aggregate classification (germline): Uncertain significance (1 of 4 stars; one submission).

Conditions:
Progressive familial heart block type IB (PFHB1B). Identifiers: Orphanet 871, MedGen C1970298, MONDO:0011474, OMIM 604559.

Allele frequency attached by ClinVar (database versions not stated): TOPMed below 0.00001; gnomAD 0.00001; ExAC 0.00002; gnomAD exomes 0.00002.

Submission:

Labcorp Genetics (formerly Invitae), Labcorp
Classification: Uncertain significance for Progressive familial heart block type IB. Last evaluated: 2025-10-08. Review status: criteria provided, single submitter. Criteria: Invitae Variant Classification Sherloc (09022015). Collection method: clinical testing. Allele origin: germline.
Comment: This sequence change creates a premature translational stop signal (p.Gly306Serfs*39) in the TRPM4 gene. It is expected to result in an absent or disrupted protein product. However, the current clinical and genetic evidence is not sufficient to establish whether loss-of-function variants in TRPM4 cause disease. This variant is present in population databases (rs773630362, gnomAD 0.01%). This variant has not been reported in the literature in individuals affected with TRPM4-related conditions. ClinVar contains an entry for this variant (Variation ID: 942166). In summary, the available evidence is currently insufficient to determine the role of this variant in disease. Therefore, it has been classified as a Variant of Uncertain Significance.